The following is an entry in ClinVar:

ClinVar aggregate classification (germline): Benign/Likely benign. Review status: criteria provided, multiple submitters, no conflicts (2 of 4 stars). 2 submissions from 2 submitters: Benign (1); Likely benign (1). Last evaluated 2026-07-09.

Conditions:
Sessile serrated polyposis cancer syndrome (SSPCS). Identifiers: Orphanet 157798, MedGen C4310714, MONDO:0014919, OMIM 617108.

gnomAD v4.1: 1 of 1,613,196 alleles (0.000062%); highest among the groups gnomAD compares: Non-Finnish European, 0.000085%; no homozygotes.

Submissions (2):

Ambry Genetics
Classification: Likely benign. Last evaluated: 2026-07-09. Review status: criteria provided, single submitter. Criteria: Ambry Variant Classification Scheme 2023. Collection method: clinical testing. Allele origin: germline.

Myriad Genetics, Inc.
Classification: Benign for Sessile serrated polyposis cancer syndrome. Last evaluated: 2026-06-29. Review status: criteria provided, single submitter. Criteria: Myriad Autosomal Dominant, Autosomal Recessive and X-Linked Classification Criteria (2023). Collection method: clinical testing. Allele origin: unknown.
Comment: This variant is considered benign. This variant is a silent/synonymous amino acid change and it is not expected to impact splicing.

NM_017763.6(RNF43):c.81C>T (p.Arg27=)

Gene: RNF43 (ring finger protein 43; minus strand). Cytogenetic location: 17q22.
Variant type: single nucleotide variant.
Coding change: c.81C>T on transcript NM_017763.6 (MANE Select); coding-DNA position 81, C replaced by T.
Protein change: p.Arg27=; no amino-acid change (arginine 27 retained).
Molecular consequence: synonymous variant. On other transcripts: intron variant (1).
Genome position (GRCh38, 1-based): chr17:58,415,497, G>A on the plus strand (C>T on the coding strand, the complement: RNF43 is on the minus strand). VCF-style: chr17-58415497-G-A. GRCh37 (hg19) VCF-style: chr17-56492858-G-A.
Other names: c.81C>T, p.Arg27= (NM_001305544.3, NM_001438820.1, NM_001438821.1 and 1 more transcripts); c.-130+1520C>T (NM_001437987.1); c.81C>T (NM_017763.4).
Identifiers: ClinVar variation 4875776 (VCV004875776.2).